The following is an entry in ClinVar:

ClinVar aggregate classification (germline): Pathogenic. Review status: criteria provided, single submitter (1 of 4 stars). 2 submissions from 2 submitters: Pathogenic (1). 1 of the submissions does not count toward it. Last evaluated 2025-03-28.

gnomAD v4.1: 1 of 1,613,932 alleles (0.000062%); highest among the groups gnomAD compares: Non-Finnish European, 0.000085%; no homozygotes.

Submissions (2):

Quest Diagnostics Nichols Institute San Juan Capistrano
Classification: Pathogenic. Last evaluated: 2025-03-28. Review status: criteria provided, single submitter. Criteria: Quest Diagnostics criteria. Collection method: clinical testing. Allele origin: unknown.
Comment: The VWF c.4423C>T (p.Gln1475*) variant causes the premature termination of VWF protein synthesis. This variant has been reported in the published literature in an individual with type 1 von Willebrand disease (PMID: 16985174 (2007)). This variant has not been reported in large, multi-ethnic general populations (Genome Aggregation Database). Based on the available information, this variant is classified as pathogenic.

Academic Unit of Haematology, University of Sheffield
No classification provided. Review status: no classification provided. Collection method: not provided. Allele origin: not provided. Not counted in ClinVar's aggregate classification.

Literature cited by the submitters: PubMed 16985174 (cited by Quest Diagnostics Nichols Institute San Juan Capistrano); PubMed 22102194 (cited by Quest Diagnostics Nichols Institute San Juan Capistrano).

NM_000552.5(VWF):c.4423C>T (p.Gln1475Ter)

Gene: VWF (von Willebrand factor; minus strand). Cytogenetic location: 12p13.31.
Variant type: single nucleotide variant.
Coding change: c.4423C>T on transcript NM_000552.5 (MANE Select); coding-DNA position 4423, C replaced by T.
Protein change: p.Gln1475Ter; replaces glutamine 1475 with a stop codon.
Molecular consequence: nonsense.
Genome position (GRCh38, 1-based): chr12:6,018,995, G>A on the plus strand (C>T on the coding strand, the complement: VWF is on the minus strand). VCF-style: chr12-6018995-G-A. GRCh37 (hg19) VCF-style: chr12-6128161-G-A.
Other names: c.4423C>T (NM_000552.4); short protein forms Q1475*.
Identifiers: ClinVar variation 100359 (VCV000100359.2), dbSNP rs61750094, ClinGen allele CA228596.
Genomic context (GRCh38, chr12:6,018,995, plus strand): 5'-TGGAGTTCCTCTTGGGCCCCAGGGTCGAAACCCCCAAGAGCCCCGGGCCCACAGTGACTT[G>A]TGCCATGTCGGGGGGCAGAGTAGGAGGAGGGGCTTCAGGGGCAAGGTCACAGAGGTAGCT-3'